The following is an entry in ClinVar:

ClinVar aggregate classification (germline): Conflicting classifications of pathogenicity. Review status: criteria provided, conflicting classifications (1 of 4 stars). 5 submissions from 5 submitters: Uncertain significance (4); Likely benign (1). Last evaluated 2024-01-03.

Conditions:
Hereditary cancer-predisposing syndrome. Also called: Hereditary Cancer Syndrome; Tumor predisposition; Hereditary neoplastic syndrome; Neoplastic Syndromes, Hereditary. Identifiers: Orphanet 140162, MedGen C0027672, MeSH D009386, MONDO:0015356.
Microcephaly, normal intelligence and immunodeficiency (NBS). Also called: Immunodeficiency, microcephaly with normal intelligence; Ataxia telangiectasia variant V1; IMMUNODEFICIENCY, MICROCEPHALY, AND CHROMOSOMAL INSTABILITY; SEEMANOVA SYNDROME II; Nijmegen breakage syndrome; Microcephaly with normal intelligence immunodeficiency and lymphoreticular malignancies. Identifiers: Orphanet 647, MedGen C0398791, MONDO:0009623, OMIM 251260.

Allele frequency attached by ClinVar (database versions not stated): TOPMed below 0.00001; ExAC 0.00002; gnomAD exomes 0.00002.
gnomAD v4.1: 11 of 1,601,136 alleles (0.00069%); highest among the groups gnomAD compares: Middle Eastern, 0.017%; no homozygotes.

Submissions (5):

Quest Diagnostics Nichols Institute San Juan Capistrano
Classification: Uncertain significance. Last evaluated: 2024-01-03. Review status: criteria provided, single submitter. Criteria: Quest Diagnostics criteria. Collection method: clinical testing. Allele origin: unknown.
Comment: The NBN c.2015C>T (p.Pro672Leu) variant has not been reported in individuals with an NBN-related condition. However, it has been reported to have a conflicting impact on protein structure and function (PMID: 31278556 (2019)). The frequency of this variant in the general population, 0.000098 (3/30592 chromosomes (Genome Aggregation Database)), is uninformative in the assessment of its pathogenicity. Analysis of this variant using bioinformatics tools for the prediction of the effect of amino acid changes on protein structure and function yielded predictions that this variant is benign. Based on the available information, we are unable to determine the clinical significance of this variant.

Genome-Nilou Lab
Classification: Uncertain significance for Microcephaly, normal intelligence and immunodeficiency. Last evaluated: 2021-11-07. Review status: criteria provided, single submitter. Criteria: ACMG Guidelines, 2015. Collection method: clinical testing. Allele origin: germline. Affected: no.

Blueprint Genetics
Classification: Uncertain significance. Last evaluated: 2019-07-30. Review status: criteria provided, single submitter. Criteria: ACMG Guidelines, 2015. Collection method: clinical testing. Allele origin: germline.

Ambry Genetics
Classification: Likely benign for Hereditary cancer-predisposing syndrome. Last evaluated: 2017-04-24. Review status: criteria provided, single submitter. Criteria: Ambry Variant Classification Scheme 2023. Collection method: clinical testing. Allele origin: germline.

Labcorp Genetics (formerly Invitae), Labcorp
Classification: Uncertain significance for Microcephaly, normal intelligence and immunodeficiency. Last evaluated: 2016-03-21. Review status: criteria provided, single submitter. Criteria: Invitae Variant Classification Sherloc (09022015). Collection method: clinical testing. Allele origin: germline.
Comment: This sequence change replaces proline with leucine at codon 672 of the NBN protein (p.Pro672Leu). The proline residue is weakly conserved and there is a moderate physicochemical difference between proline and leucine. This variant is present in population databases (rs6413508 ExAC 0.01) but has not been reported in the literature in individuals with a NBN-related disease. Algorithms developed to predict the effect of missense changes on protein structure and function (SIFT, PolyPhen-2, Align-GVGD) all suggest that this variant is likely to be tolerated, but these predictions have not been confirmed by published functional studies. In summary, this variant is a novel missense change that is not predicted to affect protein function. There is no indication that it causes disease, but the available evidence is currently insufficient to prove that conclusively. Therefore, it has been classified as a Variant of Uncertain Significance.

Literature cited by the submitters: PubMed 31278556 (cited by Quest Diagnostics Nichols Institute San Juan Capistrano).

NM_002485.5(NBN):c.2015C>T (p.Pro672Leu)

Gene: NBN (nibrin; minus strand). Cytogenetic location: 8q21.3.
Variant type: single nucleotide variant.
Coding change: c.2015C>T on transcript NM_002485.5 (MANE Select); coding-DNA position 2015, C replaced by T.
Protein change: p.Pro672Leu; replaces proline 672 with leucine.
Molecular consequence: missense variant.
Genome position (GRCh38, 1-based): chr8:89,946,195, G>A on the plus strand (C>T on the coding strand, the complement: NBN is on the minus strand). VCF-style: chr8-89946195-G-A. GRCh37 (hg19) VCF-style: chr8-90958423-G-A.
Other names: c.1769C>T, p.Pro590Leu (NM_001024688.3); short protein forms P672L, P590L.
Identifiers: ClinVar variation 239191 (VCV000239191.10), dbSNP rs6413508, ClinGen allele CA4802630.